The following is an entry in ClinVar:

ClinVar aggregate classification (germline): Uncertain significance (1 of 4 stars; one submission).

Conditions:
Congenital stationary night blindness 1A (CSNB1A). Also called: NYX-Related X-Linked Congenital Stationary Night Blindness; Night blindness, congenital stationary (complete), 1A, X-linked; CSNB, COMPLETE, X-LINKED; MYOPIA-NIGHT BLINDNESS; NIGHT BLINDNESS, CONGENITAL STATIONARY, WITH MYOPIA; HEMERALOPIA-MYOPIA. Identifiers: Orphanet 215, MedGen C3495587, MONDO:0010690, OMIM 310500.

gnomAD v4.1: 3 of 1,207,974 alleles (0.00025%); highest among the groups gnomAD compares: African/African-American, 0.0017%; no homozygotes.

Submission:

3billion
Classification: Uncertain significance for Congenital stationary night blindness 1A. Last evaluated: 2025-12-12. Review status: criteria provided, single submitter. Criteria: ACMG Guidelines, 2015. Collection method: clinical testing. Allele origin: germline. Affected: yes.
Comment: The variant is observed at an extremely low frequency in the gnomAD v4.1.0 dataset (total allele frequency: <0.001%). Predicted Consequence/Location: Missense variant In silico tool predictions suggest damaging effect of the variant on gene or gene product [REVEL: 0.67 (>=0.6, sensitivity 0.68 and specificity 0.92)]. The different nucleotide change resulting in the same amino acid change has been previously reported to be associated with NYX-related disorder(ClinVar ID: VCV000438056 /PMID: 28041643). A different missense change at the same codon (p.Asn307Ser) has been reported to be associated with NYX-related disorder (ClinVar ID: VCV000099844 /PMID: 11062472). Therefore, this variant is classified as VUS according to the recommendation of ACMG/AMP guideline.

Literature cited by the submitters: PubMed 28041643; PubMed 11062472.

NM_001378477.3(NYX):c.921C>A (p.Asn307Lys)

Gene: NYX (nyctalopin; plus strand). Cytogenetic location: Xp11.4.
Variant type: single nucleotide variant.
Coding change: c.921C>A on transcript NM_001378477.3 (MANE Select); coding-DNA position 921, C replaced by A.
Protein change: p.Asn307Lys; replaces asparagine 307 with lysine.
Molecular consequence: missense variant.
Genome position (GRCh38, 1-based): chrX:41,474,389, C>A. VCF-style: chrX-41474389-C-A. GRCh37 (hg19) VCF-style: chrX-41333642-C-A.
Other names: c.921C>A, p.Asn307Lys (NM_022567.3); short protein forms N307K.
Identifiers: ClinVar variation 4855067 (VCV004855067.1).